The following is an entry in ClinVar:

ClinVar aggregate classification (germline): Uncertain significance (1 of 4 stars; one submission).

Conditions:
Inborn genetic diseases. Identifiers: MedGen C0950123, MeSH D030342.

Submission:

Ambry Genetics
Classification: Uncertain significance for Inborn genetic diseases. Last evaluated: 2025-09-29. Review status: criteria provided, single submitter. Criteria: Ambry Variant Classification Scheme 2023. Collection method: clinical testing. Allele origin: germline.
Comment: The p.A13T variant (also known as c.37G>A), located in coding exon 1 of the ELANE gene, results from a G to A substitution at nucleotide position 37. The alanine at codon 13 is replaced by threonine, an amino acid with similar properties. This amino acid position is conserved. In addition, this alteration is predicted to be tolerated by in silico analysis. Based on the available evidence, the clinical significance of this variant remains unclear.

NM_001972.4(ELANE):c.37G>A (p.Ala13Thr)

Gene: ELANE (elastase, neutrophil expressed; plus strand). Cytogenetic location: 19p13.3.
Variant type: single nucleotide variant.
Coding change: c.37G>A on transcript NM_001972.4 (MANE Select); coding-DNA position 37, G replaced by A.
Protein change: p.Ala13Thr; replaces alanine 13 with threonine.
Molecular consequence: missense variant.
Genome position (GRCh38, 1-based): chr19:852,365, G>A. VCF-style: chr19-852365-G-A. GRCh37 (hg19) VCF-style: chr19-852365-G-A.
Other names: short protein forms A13T.
Identifiers: ClinVar variation 4618395 (VCV004618395.1).